The following is an entry in ClinVar:

ClinVar aggregate classification (germline): Uncertain significance (1 of 4 stars; one submission).

Conditions:
Familial sleep-related hypermotor epilepsy. Also called: Autosomal Dominant Sleep-Related Hypermotor (Hyperkinetic) Epilepsy. Identifiers: Orphanet 98784, MedGen C3696898, MONDO:0000030.

Submission:

Labcorp Genetics (formerly Invitae), Labcorp
Classification: Uncertain significance. Last evaluated: 2024-05-20. Review status: criteria provided, single submitter. Criteria: Invitae Variant Classification Sherloc (09022015). Collection method: clinical testing. Allele origin: germline.
Comment: This sequence change replaces tryptophan, which is neutral and slightly polar, with arginine, which is basic and polar, at codon 110 of the CHRNA2 protein (p.Trp110Arg). This variant is not present in population databases (gnomAD no frequency). This variant has not been reported in the literature in individuals affected with CHRNA2-related conditions. ClinVar contains an entry for this variant (Variation ID: 1924040). Advanced modeling of protein sequence and biophysical properties (such as structural, functional, and spatial information, amino acid conservation, physicochemical variation, residue mobility, and thermodynamic stability) performed at Invitae indicates that this missense variant is expected to disrupt CHRNA2 protein function with a positive predictive value of 80%. In summary, the available evidence is currently insufficient to determine the role of this variant in disease. Therefore, it has been classified as a Variant of Uncertain Significance.

NM_000742.4(CHRNA2):c.328T>A (p.Trp110Arg)

Gene: CHRNA2 (cholinergic receptor nicotinic alpha 2 subunit; minus strand). Cytogenetic location: 8p21.2.
Variant type: single nucleotide variant.
Coding change: c.328T>A on transcript NM_000742.4 (MANE Select); coding-DNA position 328, T replaced by A.
Protein change: p.Trp110Arg; replaces tryptophan 110 with arginine.
Molecular consequence: missense variant. On other transcripts: 5 prime UTR variant (4).
Genome position (GRCh38, 1-based): chr8:27,469,346, A>T on the plus strand (T>A on the coding strand, the complement: CHRNA2 is on the minus strand). VCF-style: chr8-27469346-A-T. GRCh37 (hg19) VCF-style: chr8-27326863-A-T.
Other names: c.283T>A, p.Trp95Arg (NM_001282455.2); c.-145T>A (NM_001347705.2, NM_001347706.2); c.-131T>A (NM_001347707.2); c.-134T>A (NM_001347708.2); short protein forms W110R, W95R.
Identifiers: ClinVar variation 1924040 (VCV001924040.5), dbSNP rs2490571780, ClinGen allele CA370812726.